The following is an entry in ClinVar:

NM_001258392.3(CLPB):c.693C>T (p.Arg231=)

Gene: CLPB (ClpB family mitochondrial disaggregase; minus strand). Cytogenetic location: 11q13.4.
Variant type: single nucleotide variant.
Coding change: c.693C>T on transcript NM_001258392.3 (MANE Select); coding-DNA position 693, C replaced by T.
Protein change: p.Arg231=; no amino-acid change (arginine 231 retained).
Molecular consequence: synonymous variant.
Genome position (GRCh38, 1-based): chr11:72,358,962, G>A on the plus strand (C>T on the coding strand, the complement: CLPB is on the minus strand). VCF-style: chr11-72358962-G-A. GRCh37 (hg19) VCF-style: chr11-72070006-G-A.
Other names: c.606C>T, p.Arg202= (NM_001258393.3); c.648C>T, p.Arg216= (NM_001258394.3); c.783C>T, p.Arg261= (NM_030813.6).
Identifiers: ClinVar variation 391383 (VCV000391383.38), dbSNP rs149932193, ClinGen allele CA6171427.

ClinVar aggregate classification (germline): Likely benign. Review status: criteria provided, multiple submitters, no conflicts (2 of 4 stars). 5 submissions from 5 submitters: Likely benign (4). 1 of the submissions does not count toward it. Last evaluated 2025-12-01.

Conditions:
CLPB-related disorder. Also called: CLPB-related condition.
3-methylglutaconic aciduria, type VIIB (MGCA7B). Also called: 3-methylglutaconic aciduria with cataracts, neurologic involvement and neutropenia; CLPB Deficiency; 3-methylglutaconic aciduria, type VII, with cataracts, neurologic involvement and neutropenia. Identifiers: Orphanet 445038, MedGen C5676893, MONDO:0014561, OMIM 616271.

Allele frequency attached by ClinVar (database versions not stated): gnomAD exomes 0.00005 and 0.00011; ExAC 0.00009; 1000 Genomes Project 30x 0.00016; 1000 Genomes Project 0.00020; gnomAD 0.00025 and 0.00027; TOPMed 0.00025; ESP Exome Variant Server 0.00054.
gnomAD v4.1: 119 of 1,613,400 alleles (0.0074%); highest among the groups gnomAD compares: African/African-American, 0.066%; no homozygotes.

Submissions (5):

Labcorp Genetics (formerly Invitae), Labcorp
Classification: Likely benign for 3-methylglutaconic aciduria, type VIIB. Last evaluated: 2025-12-01. Review status: criteria provided, single submitter. Criteria: Invitae Variant Classification Sherloc (09022015). Collection method: clinical testing. Allele origin: germline.

Blueprint Genetics
Classification: Likely benign. Last evaluated: 2024-09-18. Review status: criteria provided, single submitter. Criteria: ACMG Guidelines, 2015. Collection method: clinical testing. Allele origin: germline.

CeGaT Center for Human Genetics Tuebingen
Classification: Likely benign. Last evaluated: 2023-01-01. Review status: criteria provided, single submitter. Criteria: CeGaT Center For Human Genetics Tuebingen Variant Classification Criteria Version 2. Collection method: clinical testing. Allele origin: germline. Affected: yes. Observed: 1 variant allele.
Comment: CLPB: BP4, BP7

GeneDx
Classification: Likely benign. Last evaluated: 2021-04-14. Review status: criteria provided, single submitter. Criteria: GeneDx Variant Classification Process June 2021. Collection method: clinical testing. Allele origin: germline. Affected: yes.

PreventionGenetics, part of Exact Sciences
Classification: Likely benign for CLPB-related condition. Last evaluated: 2024-06-13. Review status: no assertion criteria provided. Collection method: clinical testing. Allele origin: germline. Not counted in ClinVar's aggregate classification.
Comment: This variant is classified as likely benign based on ACMG/AMP sequence variant interpretation guidelines (Richards et al. 2015 PMID: 25741868, with internal and published modifications).